The following is an entry in ClinVar:

ClinVar aggregate classification (germline): Uncertain significance. Review status: criteria provided, multiple submitters, no conflicts (2 of 4 stars). 2 submissions from 2 submitters: Uncertain significance (2). Last evaluated 2023-10-05.

Conditions:
Inborn genetic diseases. Identifiers: MedGen C0950123, MeSH D030342.

Allele frequency attached by ClinVar (database versions not stated): gnomAD exomes 0.00003; ExAC 0.00005; gnomAD 0.00005; TOPMed 0.00005.

Submissions (2):

Labcorp Genetics (formerly Invitae), Labcorp
Classification: Uncertain significance. Last evaluated: 2023-10-05. Review status: criteria provided, single submitter. Criteria: Invitae Variant Classification Sherloc (09022015). Collection method: clinical testing. Allele origin: germline.
Comment: This sequence change replaces glutamic acid, which is acidic and polar, with lysine, which is basic and polar, at codon 420 of the TELO2 protein (p.Glu420Lys). The frequency data for this variant in the population databases is considered unreliable, as metrics indicate poor data quality at this position in the gnomAD database. This variant has not been reported in the literature in individuals affected with TELO2-related conditions. ClinVar contains an entry for this variant (Variation ID: 2466761). Advanced modeling of protein sequence and biophysical properties (such as structural, functional, and spatial information, amino acid conservation, physicochemical variation, residue mobility, and thermodynamic stability) performed at Invitae indicates that this missense variant is not expected to disrupt TELO2 protein function. In summary, the available evidence is currently insufficient to determine the role of this variant in disease. Therefore, it has been classified as a Variant of Uncertain Significance.

Ambry Genetics
Classification: Uncertain significance for Inborn genetic diseases. Last evaluated: 2023-02-14. Review status: criteria provided, single submitter. Criteria: Ambry Variant Classification Scheme 2023. Collection method: clinical testing. Allele origin: germline.

NM_016111.4(TELO2):c.1258G>A (p.Glu420Lys)

Gene: TELO2 (telomere maintenance 2; plus strand). Cytogenetic location: 16p13.3.
Variant type: single nucleotide variant.
Coding change: c.1258G>A on transcript NM_016111.4 (MANE Select); coding-DNA position 1258, G replaced by A.
Protein change: p.Glu420Lys; replaces glutamic acid 420 with lysine.
Molecular consequence: missense variant.
Genome position (GRCh38, 1-based): chr16:1,500,676, G>A. VCF-style: chr16-1500676-G-A. GRCh37 (hg19) VCF-style: chr16-1550677-G-A.
Other names: c.1258G>A, p.Glu420Lys (NM_001351846.2); short protein forms E420K.
Identifiers: ClinVar variation 2466761 (VCV002466761.3), dbSNP rs746592060, ClinGen allele CA7812010.